The following is an entry in ClinVar:

NM_000038.6(APC):c.6518A>C (p.Lys2173Thr)

Gene: APC (APC regulator of Wnt signaling pathway; plus strand). Cytogenetic location: 5q22.2.
Variant type: single nucleotide variant.
Coding change: c.6518A>C on transcript NM_000038.6 (MANE Select); coding-DNA position 6518, A replaced by C.
Protein change: p.Lys2173Thr; replaces lysine 2173 with threonine.
Molecular consequence: missense variant. On other transcripts: non-coding transcript variant (2).
Genome position (GRCh38, 1-based): chr5:112,842,112, A>C. VCF-style: chr5-112842112-A-C. GRCh37 (hg19) VCF-style: chr5-112177809-A-C.
Other names: c.6518A>C, p.Lys2173Thr (NM_001127510.3, NM_001354895.2, NM_001407450.1); c.6464A>C, p.Lys2155Thr (NM_001127511.3); c.6572A>C, p.Lys2191Thr (NM_001354896.2, NM_001407447.1, NM_001407448.1 and 1 more transcripts); c.6548A>C, p.Lys2183Thr (NM_001354897.2); c.6443A>C, p.Lys2148Thr (NM_001354898.2); c.6434A>C, p.Lys2145Thr (NM_001354899.2); c.6395A>C, p.Lys2132Thr (NM_001354900.2); c.6341A>C, p.Lys2114Thr (NM_001354901.2, NM_001407453.1); and 11 more; short protein forms K1789T, K1890T, K2013T, K2044T, K2047T, K2072T, K2082T, K2090T.
Identifiers: ClinVar variation 4801509 (VCV004801509.1).

ClinVar aggregate classification (germline): Uncertain significance (1 of 4 stars; one submission).

Conditions:
Familial adenomatous polyposis 1 (FAP1). Also called: FAMILIAL ADENOMATOUS POLYPOSIS 1, ATTENUATED; POLYPOSIS, ADENOMATOUS INTESTINAL. Identifiers: MedGen C2713442, MONDO:0021056, OMIM 175100. Disease mechanism: loss of function.

Submission:

Labcorp Genetics (formerly Invitae), Labcorp
Classification: Uncertain significance for Familial adenomatous polyposis 1. Last evaluated: 2025-06-10. Review status: criteria provided, single submitter. Criteria: Invitae Variant Classification Sherloc (09022015). Collection method: clinical testing. Allele origin: germline.
Comment: This sequence change replaces lysine, which is basic and polar, with threonine, which is neutral and polar, at codon 2173 of the APC protein (p.Lys2173Thr). This variant is not present in population databases (gnomAD no frequency). This variant has not been reported in the literature in individuals affected with APC-related conditions. Invitae Evidence Modeling of protein sequence and biophysical properties (such as structural, functional, and spatial information, amino acid conservation, physicochemical variation, residue mobility, and thermodynamic stability) indicates that this missense variant is not expected to disrupt APC protein function with a negative predictive value of 95%. In summary, the available evidence is currently insufficient to determine the role of this variant in disease. Therefore, it has been classified as a Variant of Uncertain Significance.